The following is an entry in ClinVar:

ClinVar aggregate classification (germline): Benign. Review status: criteria provided, multiple submitters, no conflicts (2 of 4 stars). 5 submissions from 5 submitters: Benign (5). Last evaluated 2026-07-01.

Conditions:
Jeune thoracic dystrophy. Also called: Infantile thoracic dystrophy; Thoracic pelvic phalangeal dystrophy; Jeune's syndrome; Chondroectodermal dysplasia-like syndrome; Jeune syndrome; Short-rib thoracic dysplasia. Identifiers: Orphanet 474, MedGen C0265275, MONDO:0018770.
Asphyxiating thoracic dystrophy 3. Also called: SHORT-RIB THORACIC DYSPLASIA 3 WITH OR WITHOUT POLYDACTYLY; POLYDACTYLY WITH NEONATAL CHONDRODYSTROPHY, TYPE I; SHORT-RIB THORACIC DYSPLASIA 3/6 WITH POLYDACTYLY, DIGENIC; Short rib polydactyly syndrome 2B; Saldino-Noonan Syndrome. Identifiers: Orphanet 474, Orphanet 93269, Orphanet 93270, Orphanet 93271, MedGen C0036069, MONDO:0013127, OMIM 613091.

Allele frequency attached by ClinVar (database versions not stated): ESP Exome Variant Server 0.00119; gnomAD 0.00151 and 0.00184; TOPMed 0.00175; 1000 Genomes Project 30x 0.00219; gnomAD exomes 0.00231 and 0.00286; 1000 Genomes Project 0.00240; ExAC 0.00295.
gnomAD v4.1: 3,691 of 1,610,038 alleles (0.23%); highest among the groups gnomAD compares: South Asian, 1.1%; 23 homozygotes.

Submissions (5):

CeGaT Center for Human Genetics Tuebingen
Classification: Benign. Last evaluated: 2026-07-01. Review status: criteria provided, single submitter. Criteria: CeGaT Center For Human Genetics Tuebingen Variant Classification Criteria Version 2. Collection method: clinical testing. Allele origin: germline. Affected: yes. Observed: 2 variant alleles.
Comment: DYNC2H1: BS1, BS2

Labcorp Genetics (formerly Invitae), Labcorp
Classification: Benign for Jeune thoracic dystrophy. Last evaluated: 2026-01-28. Review status: criteria provided, single submitter. Criteria: Invitae Variant Classification Sherloc (09022015). Collection method: clinical testing. Allele origin: germline.

ARUP Laboratories, Molecular Genetics and Genomics, ARUP Laboratories
Classification: Benign for Asphyxiating thoracic dystrophy 3. Last evaluated: 2024-01-31. Review status: criteria provided, single submitter. Criteria: ARUP Molecular Germline Variant Investigation Process 2024. Collection method: clinical testing. Allele origin: germline.

GeneDx
Classification: Benign. Last evaluated: 2017-04-11. Review status: criteria provided, single submitter. Criteria: GeneDx Variant Classification (06012015). Collection method: clinical testing. Allele origin: germline. Affected: yes.
Comment: This variant is considered likely benign or benign based on one or more of the following criteria: it is a conservative change, it occurs at a poorly conserved position in the protein, it is predicted to be benign by multiple in silico algorithms, and/or has population frequency not consistent with disease.

Eurofins Ntd Llc (ga)
Classification: Benign. Last evaluated: 2014-12-23. Review status: criteria provided, single submitter. Criteria: EGL Classification Definitions 2015. Collection method: clinical testing. Allele origin: germline. Observed: 1 variant allele, 1 heterozygote.

NM_001377.3(DYNC2H1):c.9749A>G (p.Gln3250Arg)

Gene: DYNC2H1 (dynein cytoplasmic 2 heavy chain 1; plus strand). Cytogenetic location: 11q22.3.
Variant type: single nucleotide variant.
Coding change: c.9749A>G on transcript NM_001377.3 (MANE Select); coding-DNA position 9749, A replaced by G.
Protein change: p.Gln3250Arg; replaces glutamine 3250 with arginine.
Molecular consequence: missense variant.
Genome position (GRCh38, 1-based): chr11:103,236,469, A>G. VCF-style: chr11-103236469-A-G. GRCh37 (hg19) VCF-style: chr11-103107198-A-G.
Other names: c.9749A>G, p.Gln3250Arg (NM_001080463.2); short protein forms Q3250R.
Identifiers: ClinVar variation 198331 (VCV000198331.50), dbSNP rs140830294, ClinGen allele CA203365.